The following is an entry in ClinVar:

ClinVar aggregate classification (germline): Likely pathogenic (1 of 4 stars; one submission).

Allele frequency attached by ClinVar (database versions not stated): TOPMed below 0.00001.

Submission:

GeneDx
Classification: Likely pathogenic. Last evaluated: 2015-12-15. Review status: criteria provided, single submitter. Criteria: GeneDx Variant Classification (06012015). Collection method: clinical testing. Allele origin: germline. Affected: yes.
Comment: The D57E variant in the POLR3A gene has not been reported previously as a pathogenic variant, nor as a benign variant, to our knowledge. This variant was not observed in approximately 6500 individuals of European and African American ancestry in the NHLBI Exome Sequencing Project, indicating it is not a common benign variant in these populations. The D57E variant is a conservative amino acid substitution, which is not likely to impact secondary protein structure as these residues share similar properties; however, this substitution occurs at a position that is conserved across species, and in silico analysis predicts this variant is probably damaging to the protein structure/function. The D57E variant is a strong candidate for a pathogenic variant.

NM_007055.4(POLR3A):c.171C>G (p.Asp57Glu)

Gene: POLR3A (RNA polymerase III subunit A; minus strand). Cytogenetic location: 10q22.3.
Variant type: single nucleotide variant.
Coding change: c.171C>G on transcript NM_007055.4 (MANE Select); coding-DNA position 171, C replaced by G.
Protein change: p.Asp57Glu; replaces aspartic acid 57 with glutamic acid.
Molecular consequence: missense variant.
Genome position (GRCh38, 1-based): chr10:78,026,103, G>C on the plus strand (C>G on the coding strand, the complement: POLR3A is on the minus strand). VCF-style: chr10-78026103-G-C. GRCh37 (hg19) VCF-style: chr10-79785861-G-C.
Other names: short protein forms D57E.
Identifiers: ClinVar variation 381805 (VCV000381805.2), dbSNP rs1057521176, ClinGen allele CA16605692.